The following is an entry in ClinVar:

ClinVar aggregate classification (germline): Benign. Review status: criteria provided, multiple submitters, no conflicts (2 of 4 stars). 3 submissions from 3 submitters: Benign (2). 1 of the submissions does not count toward it. Last evaluated 2019-12-31.

Conditions:
XIRP2-related disorder. Also called: XIRP2-related condition.

Allele frequency attached by ClinVar (database versions not stated): gnomAD exomes 0.00073; ExAC 0.00088; ESP Exome Variant Server 0.00286; gnomAD 0.00304 and 0.00321; 1000 Genomes Project 30x 0.00328; TOPMed 0.00354; 1000 Genomes Project 0.00359.
gnomAD v4.1: 1,097 of 1,613,852 alleles (0.068%); highest among the groups gnomAD compares: African/African-American, 1.1%; 5 homozygotes.

Submissions (3):

Labcorp Genetics (formerly Invitae), Labcorp
Classification: Benign. Last evaluated: 2019-12-31. Review status: criteria provided, single submitter. Criteria: Invitae Variant Classification Sherloc (09022015). Collection method: clinical testing. Allele origin: germline.

Breakthrough Genomics
Classification: Benign. Review status: criteria provided, single submitter. Criteria: ACMG Guidelines, 2015. Collection method: not provided. Allele origin: germline. Inheritance: Unknown mechanism. Affected: yes.

PreventionGenetics, part of Exact Sciences
Classification: Benign for XIRP2-related condition. Last evaluated: 2019-10-28. Review status: no assertion criteria provided. Collection method: clinical testing. Allele origin: germline. Not counted in ClinVar's aggregate classification.
Comment: This variant is classified as benign based on ACMG/AMP sequence variant interpretation guidelines (Richards et al. 2015 PMID: 25741868, with internal and published modifications).

NM_152381.6(XIRP2):c.2208C>T (p.Phe736=)

Gene: XIRP2 (xin actin binding repeat containing 2; plus strand). Cytogenetic location: 2q24.3.
Variant type: single nucleotide variant.
Coding change: c.2208C>T on transcript NM_152381.6 (MANE Select); coding-DNA position 2208, C replaced by T.
Protein change: p.Phe736=; no amino-acid change (phenylalanine 736 retained).
Molecular consequence: synonymous variant. On other transcripts: intron variant (3).
Genome position (GRCh38, 1-based): chr2:167,243,600, C>T. VCF-style: chr2-167243600-C-T. GRCh37 (hg19) VCF-style: chr2-168100110-C-T.
Other names: c.1542C>T, p.Phe514= (NM_001199144.2); c.1275+1690C>T (NM_001199143.2); c.1176+1690C>T (NM_001079810.4); c.510+1690C>T (NM_001199145.2); c.2208C>T (NM_152381.5).
Identifiers: ClinVar variation 729116 (VCV000729116.7), dbSNP rs76149079, ClinGen allele CA1946607.